The following is an entry in ClinVar:

ClinVar aggregate classification (germline): Likely benign (0 of 4 stars; one submission).

Conditions:
NOTCH3-related disorder. Also called: NOTCH3-related disorders; NOTCH3-related condition.

Allele frequency attached by ClinVar (database versions not stated): ExAC 0.00006; TOPMed 0.00001; gnomAD 0.00002.

Submission:

PreventionGenetics, part of Exact Sciences
Classification: Likely benign for NOTCH3-related condition. Last evaluated: 2019-04-05. Review status: no assertion criteria provided. Collection method: clinical testing. Allele origin: germline.
Comment: This variant is classified as likely benign based on ACMG/AMP sequence variant interpretation guidelines (Richards et al. 2015 PMID: 25741868, with internal and published modifications).

NM_000435.3(NOTCH3):c.6612G>A (p.Pro2204=)

Gene: NOTCH3 (notch receptor 3; minus strand). Cytogenetic location: 19p13.12.
Variant type: single nucleotide variant.
Coding change: c.6612G>A on transcript NM_000435.3 (MANE Select); coding-DNA position 6612, G replaced by A.
Protein change: p.Pro2204=; no amino-acid change (proline 2204 retained).
Molecular consequence: synonymous variant.
Genome position (GRCh38, 1-based): chr19:15,161,016, C>T on the plus strand (G>A on the coding strand, the complement: NOTCH3 is on the minus strand). VCF-style: chr19-15161016-C-T. GRCh37 (hg19) VCF-style: chr19-15271827-C-T.
Identifiers: ClinVar variation 3046467 (VCV003046467.2), dbSNP rs752030208, ClinGen allele CA9262343.
Genomic context (GRCh38, chr19:15,161,016, plus strand): 5'-AGCCGCCGGGTACTCCTCGCCATGTCCTGGGACTGCCAGGTAAGGCGGGGGCCGCTCCTG[C>T]GGGGAGACGGGGGTCCCTGGGTTGAGCAGCTGGGGTCCCGGCGCCAGTGGCAGCAGGAAC-3'
Protein context (NP_000426.2, residues 2194-2214): QLLNPGTPVS[Pro2204=]QERPPPYLAV